The following is an entry in ClinVar:

ClinVar aggregate classification (germline): Likely benign. Review status: criteria provided, single submitter (1 of 4 stars). 2 submissions from 2 submitters: Likely benign (1). 1 of the submissions does not count toward it. Last evaluated 2024-11-01.

Conditions:
ALX4-related disorder. Also called: ALX4-related condition.

Allele frequency attached by ClinVar (database versions not stated): gnomAD exomes 0.00002; ExAC 0.00003; gnomAD 0.00003.

Submissions (2):

CeGaT Center for Human Genetics Tuebingen
Classification: Likely benign. Last evaluated: 2024-11-01. Review status: criteria provided, single submitter. Criteria: CeGaT Center For Human Genetics Tuebingen Variant Classification Criteria Version 2. Collection method: clinical testing. Allele origin: germline. Affected: yes. Observed: 1 variant allele.
Comment: ALX4: BP4, BP7

PreventionGenetics, part of Exact Sciences
Classification: Likely benign for ALX4-related condition. Last evaluated: 2019-05-14. Review status: no assertion criteria provided. Collection method: clinical testing. Allele origin: germline. Not counted in ClinVar's aggregate classification.
Comment: This variant is classified as likely benign based on ACMG/AMP sequence variant interpretation guidelines (Richards et al. 2015 PMID: 25741868, with internal and published modifications).

NM_021926.4(ALX4):c.1140C>T (p.Tyr380=)

Gene: ALX4 (ALX homeobox 4; minus strand). Cytogenetic location: 11p11.2.
Variant type: single nucleotide variant.
Coding change: c.1140C>T on transcript NM_021926.4 (MANE Select); coding-DNA position 1140, C replaced by T.
Protein change: p.Tyr380=; no amino-acid change (tyrosine 380 retained).
Molecular consequence: synonymous variant.
Genome position (GRCh38, 1-based): chr11:44,264,950, G>A on the plus strand (C>T on the coding strand, the complement: ALX4 is on the minus strand). VCF-style: chr11-44264950-G-A. GRCh37 (hg19) VCF-style: chr11-44286500-G-A.
Identifiers: ClinVar variation 3042240 (VCV003042240.16), dbSNP rs753201422, ClinGen allele CA5955520.